The following is an entry in ClinVar:

ClinVar aggregate classification (germline): Uncertain significance (1 of 4 stars; one submission).

Conditions:
Methylmalonic acidemia with homocystinuria, type cblJ (MAHCJ). Also called: METHYLMALONIC ACIDURIA AND HOMOCYSTINURIA, cblJ TYPE. Identifiers: Orphanet 369955, MedGen C3553915, MONDO:0013925, OMIM 614857.

Allele frequency attached by ClinVar (database versions not stated): gnomAD exomes 0.00001.
gnomAD v4.1: 8 of 1,613,158 alleles (0.0005%); highest among the groups gnomAD compares: East Asian, 0.0067%; no homozygotes.

Submission:

Labcorp Genetics (formerly Invitae), Labcorp
Classification: Uncertain significance for Methylmalonic acidemia with homocystinuria, type cblJ. Last evaluated: 2021-10-20. Review status: criteria provided, single submitter. Criteria: Invitae Variant Classification Sherloc (09022015). Collection method: clinical testing. Allele origin: germline.
Comment: In summary, the available evidence is currently insufficient to determine the role of this variant in disease. Therefore, it has been classified as a Variant of Uncertain Significance. Variants that disrupt the consensus splice site are a relatively common cause of aberrant splicing (PMID: 17576681, 9536098). Algorithms developed to predict the effect of sequence changes on RNA splicing suggest that this variant may create or strengthen a splice site. This variant has not been reported in the literature in individuals affected with ABCD4-related conditions. This variant is not present in population databases (ExAC no frequency). This sequence change falls in intron 8 of the ABCD4 gene. It does not directly change the encoded amino acid sequence of the ABCD4 protein. It affects a nucleotide within the consensus splice site.

Literature cited by the submitters: PubMed 17576681; PubMed 9536098.

NM_005050.4(ABCD4):c.814+6C>T

Gene: ABCD4 (ATP binding cassette subfamily D member 4; minus strand). Cytogenetic location: 14q24.3.
Variant type: single nucleotide variant.
Coding change: c.814+6C>T on transcript NM_005050.4 (MANE Select); 6 bases into the intron after coding-DNA position 814, C replaced by T.
Molecular consequence: intron variant.
Genome position (GRCh38, 1-based): chr14:74,293,148, G>A on the plus strand (C>T on the coding strand, the complement: ABCD4 is on the minus strand). VCF-style: chr14-74293148-G-A. GRCh37 (hg19) VCF-style: chr14-74759851-G-A.
Other names: c.26-279C>T (NM_001353607.2, NM_001353604.2, NM_001353603.2 and 6 more transcripts); c.337+6C>T (NM_001353598.2, NM_001353601.2, NM_001353600.2 and 2 more transcripts); c.502+6C>T (NM_001353594.2); c.553+6C>T (NM_001353593.2); c.349+6C>T (NM_001353597.2); c.400+6C>T (NM_001353596.2, NM_001353595.2); c.688+6C>T (NM_001353591.2, NM_001353592.2); c.814+6C>T (NM_020325.3).
Identifiers: ClinVar variation 1499571 (VCV001499571.6), dbSNP rs1012967402, ClinGen allele CA263585264.